The following is an entry in ClinVar:

ClinVar aggregate classification (germline): Uncertain significance. Review status: criteria provided, multiple submitters, no conflicts (2 of 4 stars). 4 submissions from 4 submitters: Uncertain significance (4). Last evaluated 2025-09-10.

Conditions:
Inborn genetic diseases. Identifiers: MedGen C0950123, MeSH D030342.
Mitochondrial hypertrophic cardiomyopathy with lactic acidosis due to MTO1 deficiency. Also called: Combined oxidative phosphorylation deficiency 10; CARDIOMYOPATHY, INFANTILE HYPERTROPHIC MITOCHONDRIAL, AND LACTIC ACIDOSIS. Identifiers: Orphanet 314637, MedGen C4749921, MONDO:0013865, OMIM 614702.

Allele frequency attached by ClinVar (database versions not stated): ExAC 0.00002; gnomAD exomes 0.00002 and 0.00005; gnomAD 0.00003; ESP Exome Variant Server 0.00008.
gnomAD v4.1: 76 of 1,613,884 alleles (0.0047%); highest among the groups gnomAD compares: African/African-American, 0.012%; no homozygotes.

Submissions (4):

Ambry Genetics
Classification: Uncertain significance for Inborn genetic diseases. Last evaluated: 2025-09-10. Review status: criteria provided, single submitter. Criteria: Ambry Variant Classification Scheme 2023. Collection method: clinical testing. Allele origin: germline.

GeneDx
Classification: Uncertain significance. Last evaluated: 2023-02-02. Review status: criteria provided, single submitter. Criteria: GeneDx Variant Classification Process June 2021. Collection method: clinical testing. Allele origin: germline. Affected: yes.
Comment: Not observed at significant frequency in large population cohorts (gnomAD); In silico analysis supports that this missense variant does not alter protein structure/function; Has not been previously published as pathogenic or benign to our knowledge

Labcorp Genetics (formerly Invitae), Labcorp
Classification: Uncertain significance for Mitochondrial hypertrophic cardiomyopathy with lactic acidosis due to MTO1 deficiency. Last evaluated: 2022-07-22. Review status: criteria provided, single submitter. Criteria: Invitae Variant Classification Sherloc (09022015). Collection method: clinical testing. Allele origin: germline.
Comment: This sequence change replaces arginine, which is basic and polar, with cysteine, which is neutral and slightly polar, at codon 172 of the MTO1 protein (p.Arg172Cys). This variant is present in population databases (rs370046018, gnomAD 0.01%). This variant has not been reported in the literature in individuals affected with MTO1-related conditions. ClinVar contains an entry for this variant (Variation ID: 1352332). Algorithms developed to predict the effect of missense changes on protein structure and function are either unavailable or do not agree on the potential impact of this missense change (SIFT: "Deleterious"; PolyPhen-2: "Benign"; Align-GVGD: "Class C0"). In summary, the available evidence is currently insufficient to determine the role of this variant in disease. Therefore, it has been classified as a Variant of Uncertain Significance.

Fulgent Genetics
Classification: Uncertain significance for Mitochondrial hypertrophic cardiomyopathy with lactic acidosis due to MTO1 deficiency. Last evaluated: 2022-02-02. Review status: criteria provided, single submitter. Criteria: ACMG Guidelines, 2015. Collection method: clinical testing. Allele origin: unknown.

NM_012123.4(MTO1):c.514C>T (p.Arg172Cys)

Gene: MTO1 (mitochondrial tRNA translation optimization 1; plus strand). Cytogenetic location: 6q13.
Variant type: single nucleotide variant.
Coding change: c.514C>T on transcript NM_012123.4 (MANE Select); coding-DNA position 514, C replaced by T.
Protein change: p.Arg172Cys; replaces arginine 172 with cysteine.
Molecular consequence: missense variant.
Genome position (GRCh38, 1-based): chr6:73,466,585, C>T. VCF-style: chr6-73466585-C-T. GRCh37 (hg19) VCF-style: chr6-74176308-C-T.
Other names: c.514C>T, p.Arg172Cys (NM_001123226.2, NM_133645.3); c.514C>T (NM_001123226.1, NM_012123.3); short protein forms R172C.
Identifiers: ClinVar variation 1352332 (VCV001352332.5), dbSNP rs370046018, ClinGen allele CA3889364.
Genomic context (GRCh38, chr6:73,466,585, plus strand): 5'-GAGGGAGCTGTAGAAGATCTTATTCTTACAGAACCAGAGCCTGAACACACTGGGAAATGC[C>T]GTGTCAGTGGGGTTGTTTTGGGTACGTATTGGTTATAGATGGTGTATGATAACAGCATAT-3'
Protein context (NP_036255.2, residues 162-182): EPEPEHTGKC[Arg172Cys]VSGVVLVDGS